The following is an entry in ClinVar:

NM_000824.5(GLRB):c.881C>T (p.Ala294Val)

Gene: GLRB (glycine receptor beta; plus strand). Cytogenetic location: 4q32.1.
Variant type: single nucleotide variant.
Coding change: c.881C>T on transcript NM_000824.5 (MANE Select); coding-DNA position 881, C replaced by T.
Protein change: p.Ala294Val; replaces alanine 294 with valine.
Molecular consequence: missense variant.
Genome position (GRCh38, 1-based): chr4:157,143,936, C>T. VCF-style: chr4-157143936-C-T. GRCh37 (hg19) VCF-style: chr4-158065088-C-T.
Other names: c.881C>T, p.Ala294Val (NM_001166060.2, NM_001166061.2); short protein forms A294V.
Identifiers: ClinVar variation 2159166 (VCV002159166.4), dbSNP rs1240723923, ClinGen allele CA358644145.

ClinVar aggregate classification (germline): Uncertain significance (1 of 4 stars; one submission).

Conditions:
Hyperekplexia 2 (HKPX2). Identifiers: Orphanet 3197, MedGen C3553291, MONDO:0013828, OMIM 614619.

Allele frequency attached by ClinVar (database versions not stated): TOPMed below 0.00001; gnomAD 0.00001.
gnomAD v4.1: 35 of 1,613,906 alleles (0.0022%); highest among the groups gnomAD compares: Non-Finnish European, 0.0026%; no homozygotes.

Submission:

Labcorp Genetics (formerly Invitae), Labcorp
Classification: Uncertain significance for Hyperekplexia 2. Last evaluated: 2022-06-26. Review status: criteria provided, single submitter. Criteria: Invitae Variant Classification Sherloc (09022015). Collection method: clinical testing. Allele origin: germline.
Comment: This sequence change replaces alanine, which is neutral and non-polar, with valine, which is neutral and non-polar, at codon 294 of the GLRB protein (p.Ala294Val). In summary, the available evidence is currently insufficient to determine the role of this variant in disease. Therefore, it has been classified as a Variant of Uncertain Significance. Algorithms developed to predict the effect of missense changes on protein structure and function (SIFT, PolyPhen-2, Align-GVGD) all suggest that this variant is likely to be disruptive. This variant has not been reported in the literature in individuals affected with GLRB-related conditions. This variant is present in population databases (no rsID available, gnomAD 0.006%).